The following is an entry in ClinVar:

NM_032119.4(ADGRV1):c.3212G>A (p.Ser1071Asn)

Gene: ADGRV1 (adhesion G protein-coupled receptor V1; plus strand). Cytogenetic location: 5q14.3.
Variant type: single nucleotide variant.
Coding change: c.3212G>A on transcript NM_032119.4 (MANE Select); coding-DNA position 3212, G replaced by A.
Protein change: p.Ser1071Asn; replaces serine 1071 with asparagine.
Molecular consequence: missense variant. On other transcripts: non-coding transcript variant (1).
Genome position (GRCh38, 1-based): chr5:90,647,687, G>A. VCF-style: chr5-90647687-G-A. GRCh37 (hg19) VCF-style: chr5-89943504-G-A.
Other names: short protein forms S1071N.
Identifiers: ClinVar variation 1001322 (VCV001001322.14), dbSNP rs752410892, ClinGen allele CA3339125.

ClinVar aggregate classification (germline): Conflicting classifications of pathogenicity. Review status: criteria provided, conflicting classifications (1 of 4 stars). 5 submissions from 5 submitters: Uncertain significance (1); Likely benign (2). 2 of the submissions do not count toward it. Last evaluated 2025-10-09.

Conditions:
Inborn genetic diseases. Identifiers: MedGen C0950123, MeSH D030342.

Allele frequency attached by ClinVar (database versions not stated): ExAC 0.00002; gnomAD exomes 0.00002 and 0.00003; gnomAD 0.00003; TOPMed 0.00003.
gnomAD v4.1: 52 of 1,613,692 alleles (0.0032%); highest among the groups gnomAD compares: Non-Finnish European, 0.0042%; no homozygotes.

Submissions (5):

Labcorp Genetics (formerly Invitae), Labcorp
Classification: Likely benign. Last evaluated: 2025-10-09. Review status: criteria provided, single submitter. Criteria: Invitae Variant Classification Sherloc (09022015). Collection method: clinical testing. Allele origin: germline.

Ambry Genetics
Classification: Likely benign for Inborn genetic diseases. Last evaluated: 2024-02-27. Review status: criteria provided, single submitter. Criteria: Ambry Variant Classification Scheme 2023. Collection method: clinical testing. Allele origin: germline.

GeneDx
Classification: Uncertain significance. Last evaluated: 2022-03-22. Review status: criteria provided, single submitter. Criteria: GeneDx Variant Classification Process June 2021. Collection method: clinical testing. Allele origin: germline. Affected: yes.
Comment: Not observed at significant frequency in large population cohorts (gnomAD); In silico analysis supports that this missense variant does not alter protein structure/function; Has not been previously published as pathogenic or benign to our knowledge

Clinical Genetics DNA and cytogenetics Diagnostics Lab, Erasmus MC, Erasmus Medical Center
Classification: Uncertain significance. Review status: no assertion criteria provided. Collection method: clinical testing. Allele origin: germline. Affected: yes. Study: VKGL Data-share Consensus. Not counted in ClinVar's aggregate classification.

Clinical Genetics, Academic Medical Center
Classification: Uncertain significance. Review status: no assertion criteria provided. Collection method: clinical testing. Allele origin: germline. Affected: yes. Study: VKGL Data-share Consensus. Not counted in ClinVar's aggregate classification.